The following is an entry in ClinVar:

NM_015978.3(TNNI3K):c.333+3A>G

Genes: FPGT-TNNI3K (FPGT-TNNI3K readthrough; plus strand), TNNI3K (TNNI3 interacting kinase; plus strand). Cytogenetic location: 1p31.1.
Variant type: single nucleotide variant.
Coding change: c.333+3A>G on transcript NM_015978.3 (MANE Select); 3 bases into the intron after coding-DNA position 333, A replaced by G.
Molecular consequence: intron variant.
Genome position (GRCh38, 1-based): chr1:74,250,772, A>G. VCF-style: chr1-74250772-A-G. GRCh37 (hg19) VCF-style: chr1-74716456-A-G.
Other names: c.636+3A>G (NM_001112808.3, NM_001199327.2).
Identifiers: ClinVar variation 2880870 (VCV002880870.3), dbSNP rs2100847853, ClinGen allele CA2739272625.

ClinVar aggregate classification (germline): Uncertain significance (1 of 4 stars; one submission).

Submission:

Labcorp Genetics (formerly Invitae), Labcorp
Classification: Uncertain significance. Last evaluated: 2025-09-03. Review status: criteria provided, single submitter. Criteria: Invitae Variant Classification Sherloc (09022015). Collection method: clinical testing. Allele origin: germline.
Comment: This sequence change falls in intron 4 of the TNNI3K gene. It does not directly change the encoded amino acid sequence of the TNNI3K protein. It affects a nucleotide within the consensus splice site. This variant is not present in population databases (gnomAD no frequency). This variant has not been reported in the literature in individuals affected with TNNI3K-related conditions. ClinVar contains an entry for this variant (Variation ID: 2880870). Variants that disrupt the consensus splice site are a relatively common cause of aberrant splicing (PMID: 17576681, 9536098). Algorithms developed to predict the effect of sequence changes on RNA splicing suggest that this variant is not likely to affect RNA splicing. In summary, the available evidence is currently insufficient to determine the role of this variant in disease. Therefore, it has been classified as a Variant of Uncertain Significance.

Literature cited by the submitters: PubMed 17576681; PubMed 9536098.